The following is an entry in ClinVar:

ClinVar aggregate classification (germline): Uncertain significance. Review status: criteria provided, multiple submitters, no conflicts (2 of 4 stars). 3 submissions from 3 submitters: Uncertain significance (3). Last evaluated 2025-05-23.

Conditions:
Desmin-related myofibrillar myopathy (MFM1). Also called: MYOFIBRILLAR MYOPATHY WITH ARRHYTHMOGENIC RIGHT VENTRICULAR CARDIOMYOPATHY; DESMIN-RELATED MYOPATHY WITH ARRHYTHMOGENIC RIGHT VENTRICULAR CARDIOMYOPATHY; Myofibrillar myopathy 1; Desminopathy; Desmin related myopathy (former name); Desmin storage myopathy (former name). Identifiers: Orphanet 363543, Orphanet 98909, MedGen C1832370, MONDO:0011076, OMIM 601419.
Cardiovascular phenotype. Identifiers: MedGen CN230736.

Allele frequency attached by ClinVar (database versions not stated): gnomAD exomes below 0.00001 and 0.00001; TOPMed below 0.00001; gnomAD 0.00001.
gnomAD v4.1: 3 of 1,603,812 alleles (0.00019%); highest among the groups gnomAD compares: Admixed American, 0.0051%; no homozygotes.

Submissions (3):

Labcorp Genetics (formerly Invitae), Labcorp
Classification: Uncertain significance for Desmin-related myofibrillar myopathy. Last evaluated: 2025-05-23. Review status: criteria provided, single submitter. Criteria: Invitae Variant Classification Sherloc (09022015). Collection method: clinical testing. Allele origin: germline.
Comment: This sequence change replaces valine, which is neutral and non-polar, with alanine, which is neutral and non-polar, at codon 49 of the DES protein (p.Val49Ala). The frequency data for this variant in the population databases is considered unreliable, as metrics indicate poor data quality at this position in the gnomAD database. This variant has not been reported in the literature in individuals affected with DES-related conditions. ClinVar contains an entry for this variant (Variation ID: 201711). Invitae Evidence Modeling of protein sequence and biophysical properties (such as structural, functional, and spatial information, amino acid conservation, physicochemical variation, residue mobility, and thermodynamic stability) indicates that this missense variant is not expected to disrupt DES protein function with a negative predictive value of 80%. In summary, the available evidence is currently insufficient to determine the role of this variant in disease. Therefore, it has been classified as a Variant of Uncertain Significance.

Ambry Genetics
Classification: Uncertain significance for Cardiovascular phenotype. Last evaluated: 2024-11-10. Review status: criteria provided, single submitter. Criteria: Ambry Variant Classification Scheme 2023. Collection method: clinical testing. Allele origin: germline.
Comment: The p.V49A variant (also known as c.146T>C), located in coding exon 1 of the DES gene, results from a T to C substitution at nucleotide position 146. The valine at codon 49 is replaced by alanine, an amino acid with similar properties. This amino acid position is poorly conserved in available vertebrate species. In addition, this alteration is predicted to be tolerated by in silico analysis. Based on the available evidence, the clinical significance of this variant remains unclear.

GeneDx
Classification: Uncertain significance. Last evaluated: 2014-04-30. Review status: criteria provided, single submitter. Criteria: GeneDx Variant Classification (06012015). Collection method: clinical testing. Allele origin: germline. Affected: yes.
Comment: p.Val49Ala (GTG>GCG): c.146 T>C in exon 1 of the DES gene (NM_001927.3) The V49A variant has not been published as a mutation or as a benign polymorphism to our knowledge. The V49A variant was not observed in approximately 6,000 individuals of European and African American ancestry in the NHLBI Exome Sequencing Project, indicating it is not a common benign variant in these populations. This substitution occurs at a position that is conserved by class in mammals. Furthermore, missense mutations in nearby residues (S46Y, S46F) have been reported in association with myopathy, supporting the functional importance of this region of the protein. However, the V49A variant is a conservative amino acid substitution, which is not likely to impact secondary protein structure as these residues share similar properties. In silico analysis predicts this variant likely does not alter the protein structure/function. Therefore, based on the currently available information, it is unclear whether this variant is a pathogenic mutation or a rare benign variant. The variant is found in CARDIOMYOPATHY panel(s).

NM_001927.4(DES):c.146T>C (p.Val49Ala)

Gene: DES (desmin; plus strand). Cytogenetic location: 2q35.
Variant type: single nucleotide variant.
Coding change: c.146T>C on transcript NM_001927.4 (MANE Select); coding-DNA position 146, T replaced by C.
Protein change: p.Val49Ala; replaces valine 49 with alanine.
Molecular consequence: missense variant.
Genome position (GRCh38, 1-based): chr2:219,418,608, T>C. VCF-style: chr2-219418608-T-C. GRCh37 (hg19) VCF-style: chr2-220283330-T-C.
Other names: p.V49A:GTG>GCG; c.146T>C (LRG_380t1); short protein forms V49A.
Identifiers: ClinVar variation 201711 (VCV000201711.8), dbSNP rs794728989, ClinGen allele CA308287.
Genomic context (GRCh38, chr2:219,418,608, plus strand): 5'-CGCTGAGTTCGCCCGTGTTCCCGCGGGCGGGTTTCGGCTCTAAGGGCTCCTCCAGCTCGG[T>C]GACGTCCCGCGTGTACCAGGTGTCGCGCACGTCGGGCGGGGCCGGGGGCCTGGGGTCGCT-3'
Protein context (NP_001918.3, residues 39-59): GFGSKGSSSS[Val49Ala]TSRVYQVSRT